The following is an entry in ClinVar:

ClinVar aggregate classification (germline): Pathogenic (1 of 4 stars; one submission).

Conditions:
Dilated cardiomyopathy 1J (CMD1J). Also called: CARDIOMYOPATHY, DILATED, WITH SENSORINEURAL HEARING LOSS, AUTOSOMAL DOMINANT. Identifiers: Orphanet 217622, MedGen C1854368, MONDO:0011541, OMIM 605362.

Submission:

Labcorp Genetics (formerly Invitae), Labcorp
Classification: Pathogenic for Dilated cardiomyopathy 1J. Last evaluated: 2023-10-12. Review status: criteria provided, single submitter. Criteria: Invitae Variant Classification Sherloc (09022015). Collection method: clinical testing. Allele origin: germline.
Comment: This sequence change creates a premature translational stop signal (p.Tyr193*) in the EYA4 gene. It is expected to result in an absent or disrupted protein product. Loss-of-function variants in EYA4 are known to be pathogenic (PMID: 11159937, 25781927, 25963406). This variant is not present in population databases (gnomAD no frequency). This variant has not been reported in the literature in individuals affected with EYA4-related conditions. Algorithms developed to predict the effect of sequence changes on RNA splicing suggest that this variant may disrupt the consensus splice site. For these reasons, this variant has been classified as Pathogenic.

Literature cited by the submitters: PubMed 11159937; PubMed 25781927; PubMed 25963406.

NM_004100.5(EYA4):c.579C>G (p.Tyr193Ter)

Gene: EYA4 (EYA transcriptional coactivator and phosphatase 4; plus strand). Cytogenetic location: 6q23.2.
Variant type: single nucleotide variant.
Coding change: c.579C>G on transcript NM_004100.5 (MANE Select); coding-DNA position 579, C replaced by G.
Protein change: p.Tyr193Ter; replaces tyrosine 193 with a stop codon.
Molecular consequence: nonsense.
Genome position (GRCh38, 1-based): chr6:133,462,476, C>G. VCF-style: chr6-133462476-C-G. GRCh37 (hg19) VCF-style: chr6-133783614-C-G.
Other names: c.417C>G, p.Tyr139Ter (NM_001301012.2, NM_001370459.1); c.579C>G, p.Tyr193Ter (NM_001301013.2, NM_172105.4); c.510C>G, p.Tyr170Ter (NM_001370458.1, NM_172103.4); short protein forms Y170*, Y139*, Y193*.
Identifiers: ClinVar variation 2783559 (VCV002783559.3), dbSNP rs747954279, ClinGen allele CA365698568.